The following is an entry in ClinVar:

NM_020937.4(FANCM):c.4641T>A (p.Asn1547Lys)

Gene: FANCM (FA complementation group M; plus strand). Cytogenetic location: 14q21.2.
Variant type: single nucleotide variant.
Coding change: c.4641T>A on transcript NM_020937.4 (MANE Select); coding-DNA position 4641, T replaced by A.
Protein change: p.Asn1547Lys; replaces asparagine 1547 with lysine.
Molecular consequence: missense variant.
Genome position (GRCh38, 1-based): chr14:45,185,342, T>A. VCF-style: chr14-45185342-T-A. GRCh37 (hg19) VCF-style: chr14-45654545-T-A.
Other names: c.4563T>A, p.Asn1521Lys (NM_001308133.2); short protein forms N1521K, N1547K.
Identifiers: ClinVar variation 847464 (VCV000847464.10), dbSNP rs932577451, ClinGen allele CA259634605.

ClinVar aggregate classification (germline): Uncertain significance. Review status: criteria provided, multiple submitters, no conflicts (2 of 4 stars). 2 submissions from 2 submitters: Uncertain significance (2). Last evaluated 2023-05-17.

Conditions:
Fanconi anemia (FA). Also called: Fanconi's anemia. Identifiers: Orphanet 84, MedGen C0015625, MeSH D005199, MONDO:0019391.
Spermatogenic failure 28. Identifiers: MedGen C4748117, MONDO:0054732, OMIM 618086.
Premature ovarian failure 15. Identifiers: MedGen C4748170, MONDO:0054862, OMIM 618096.

Allele frequency attached by ClinVar (database versions not stated): gnomAD exomes 0.00001; TOPMed below 0.00001.
gnomAD v4.1: 10 of 1,594,540 alleles (0.00063%); highest among the groups gnomAD compares: African/African-American, 0.0013%; no homozygotes.

Submissions (2):

Labcorp Genetics (formerly Invitae), Labcorp
Classification: Uncertain significance for Fanconi anemia. Last evaluated: 2023-05-17. Review status: criteria provided, single submitter. Criteria: Invitae Variant Classification Sherloc (09022015). Collection method: clinical testing. Allele origin: germline.
Comment: This variant is not present in population databases (gnomAD no frequency). This sequence change replaces asparagine, which is neutral and polar, with lysine, which is basic and polar, at codon 1547 of the FANCM protein (p.Asn1547Lys). This variant has not been reported in the literature in individuals affected with FANCM-related conditions. In summary, the available evidence is currently insufficient to determine the role of this variant in disease. Therefore, it has been classified as a Variant of Uncertain Significance. An algorithm developed to predict the effect of missense changes on protein structure and function (PolyPhen-2) suggests that this variant is likely to be disruptive. ClinVar contains an entry for this variant (Variation ID: 847464).

Fulgent Genetics
Classification: Uncertain significance for Spermatogenic failure 28; Premature ovarian failure 15. Last evaluated: 2022-05-02. Review status: criteria provided, single submitter. Criteria: ACMG Guidelines, 2015. Collection method: clinical testing. Allele origin: unknown.